The following is an entry in ClinVar:

ClinVar aggregate classification (germline): Pathogenic/Likely pathogenic. Review status: criteria provided, multiple submitters, no conflicts (2 of 4 stars). 2 submissions from 2 submitters: Pathogenic (1); Likely pathogenic (1). Last evaluated 2025-02-11.

Conditions:
Salla disease (SD). Also called: Less Severe FSASD (Salla Disease); Sialuria, Finnish type; N-acetylneuraminic acid (NANA) storage disease (NSD); Infantile sialic acid storage disorder (ISSD). Identifiers: Orphanet 309334, Orphanet 834, MedGen C1096903, MONDO:0011449, OMIM 604369.

Allele frequency attached by ClinVar (database versions not stated): gnomAD exomes below 0.00001; gnomAD 0.00001.

Submissions (2):

Natera, Inc.
Classification: Likely pathogenic for Salla disease. Last evaluated: 2025-02-11. Review status: criteria provided, single submitter. Criteria: Natera Variant Classification Schema (03/2026). Collection method: clinical testing. Allele origin: germline.
Comment: The c.795_796insTT variant in SLC17A5 is a frameshift variant predicted to shift the reading frame beginning at codon 266 and leads to a stop codon 6 codons downstream. This variant is expected to result in nonsense mediated decay, truncation, or a dysfunctional protein product. This variant is rare in the general population with a frequency below the threshold expected for the associated phenotype(s). Given the available evidence, this variant is classified as Likely Pathogenic.

Labcorp Genetics (formerly Invitae), Labcorp
Classification: Pathogenic for Salla disease. Last evaluated: 2022-05-10. Review status: criteria provided, single submitter. Criteria: Invitae Variant Classification Sherloc (09022015). Collection method: clinical testing. Allele origin: germline.
Comment: This sequence change creates a premature translational stop signal (p.Ile266Leufs*6) in the SLC17A5 gene. It is expected to result in an absent or disrupted protein product. Loss-of-function variants in SLC17A5 are known to be pathogenic (PMID: 10581036, 10947946, 15172001). This variant is not present in population databases (gnomAD no frequency). For these reasons, this variant has been classified as Pathogenic. ClinVar contains an entry for this variant (Variation ID: 1068854). This variant has not been reported in the literature in individuals affected with SLC17A5-related conditions.

Literature cited by the submitters: PubMed 10581036 (cited by Labcorp Genetics (formerly Invitae), Labcorp); PubMed 10947946 (cited by Labcorp Genetics (formerly Invitae), Labcorp); PubMed 15172001 (cited by Labcorp Genetics (formerly Invitae), Labcorp).

NM_012434.5(SLC17A5):c.795_796insTT (p.Ile266fs)

Gene: SLC17A5 (solute carrier family 17 member 5; minus strand). Cytogenetic location: 6q13.
Variant type: Insertion.
Coding change: c.795_796insTT on transcript NM_012434.5 (MANE Select); coding-DNA positions 795 to 796, TT inserted.
Protein change: p.Ile266fs; shifts the reading frame from isoleucine 266.
Molecular consequence: frameshift variant.
Genome position: GRCh38 VCF-style: chr6-73635405-T-TAA. GRCh37 (hg19) VCF-style: chr6-74345128-T-TAA.
Other names: c.792_793insTT, p.Ile265fs (NM_001382635.1); c.477_478insTT, p.Ile160fs (NM_001382636.1); c.795_796insTT (NM_012434.4); c.564_565insTT, p.Ile189fs (NM_001382629.1); c.795_796insTT, p.Ile266fs (NM_001382630.1, NM_001382633.1, NM_001382634.1); c.816_817insTT, p.Ile273fs (NM_001382631.1); c.708_709insTT, p.Ile237fs (NM_001382632.1); short protein forms I160fs, I189fs, I237fs, I265fs, I266fs, I273fs.
Identifiers: ClinVar variation 1068854 (VCV001068854.9), dbSNP rs1768947811, ClinGen allele CA1090529562.